The following is an entry in ClinVar:

ClinVar aggregate classification (germline): Benign. Review status: criteria provided, multiple submitters, no conflicts (2 of 4 stars). 4 submissions from 4 submitters: Benign (4). Last evaluated 2026-02-03.

Conditions:
Cardiovascular phenotype. Identifiers: MedGen CN230736.
Hypertrophic cardiomyopathy. Also called: HYPERTROPHIC MYOCARDIOPATHY. Identifiers: Orphanet 217569, MedGen C0007194, MeSH D002312, MONDO:0005045, HP:0001639.

Allele frequency attached by ClinVar (database versions not stated): ESP Exome Variant Server 0.00024; TOPMed 0.00402; gnomAD exomes 0.00758; ExAC 0.00861; 1000 Genomes Project 0.01058; 1000 Genomes Project 30x 0.01062.
gnomAD v4.1: 3,109 of 1,604,694 alleles (0.19%); highest among the groups gnomAD compares: Admixed American, 3.7%; 59 homozygotes.

Submissions (10):

Labcorp Genetics (formerly Invitae), Labcorp
Classification: Benign for Hypertrophic cardiomyopathy. Last evaluated: 2026-02-03. Review status: criteria provided, single submitter. Criteria: Invitae Variant Classification Sherloc (09022015). Collection method: clinical testing. Allele origin: germline.

Laboratory for Molecular Medicine, Mass General Brigham Personalized Medicine
Classification: Benign. Last evaluated: 2014-11-24. Review status: criteria provided, single submitter. Criteria: LMM Criteria. Collection method: clinical testing. Allele origin: germline. Observed: 4 variant alleles.
Comment: Arg1573Gln in exon 37 of MYOM1: This variant is not expected to have clinical si gnificance because it has been identified in 4.5% (6/132) of Mexican chromosomes from a broad population by the 1000 Genomes Project (v/projects/SNP; dbSNP rs117342470).

Ambry Genetics
Classification: Benign for Cardiovascular phenotype. Last evaluated: 2013-05-24. Review status: criteria provided, single submitter. Criteria: Ambry Autosomal Dominant and X-Linked criteria (10/2015). Collection method: clinical testing. Allele origin: germline. Observed: 1 variant allele.
Comment: General population or subpopulation frequency is too high to be a pathogenic mutation based on disease/syndrome prevalence and penetrance

Breakthrough Genomics
Classification: Benign. Review status: criteria provided, single submitter. Criteria: ACMG Guidelines, 2015. Collection method: not provided. Allele origin: germline. Inheritance: Unknown mechanism. Affected: yes.

Dr. Peter K. Rogan Lab, Western University
No classification provided (evidence only). Condition: Thyroid cancer, nonmedullary, 1. Review status: no classification provided. Collection method: in vitro. Allele origin: not applicable. Functional consequence: retained intron. Not counted in ClinVar's aggregate classification.

Dr. Peter K. Rogan Lab, Western University
No classification provided (evidence only). Condition: Hepatocellular carcinoma. Review status: no classification provided. Collection method: in vitro. Allele origin: not applicable. Functional consequence: retained intron. Not counted in ClinVar's aggregate classification.

Dr. Peter K. Rogan Lab, Western University
No classification provided (evidence only). Condition: Hepatocellular carcinoma. Review status: no classification provided. Collection method: in vitro. Allele origin: not applicable. Functional consequence: retained intron. Not counted in ClinVar's aggregate classification.

Dr. Peter K. Rogan Lab, Western University
No classification provided (evidence only). Condition: Hepatocellular carcinoma. Review status: no classification provided. Collection method: in vitro. Allele origin: not applicable. Functional consequence: retained intron. Not counted in ClinVar's aggregate classification.

Dr. Peter K. Rogan Lab, Western University
No classification provided (evidence only). Condition: Hepatocellular carcinoma. Review status: no classification provided. Collection method: in vitro. Allele origin: not applicable. Functional consequence: retained intron. Not counted in ClinVar's aggregate classification.

Dr. Peter K. Rogan Lab, Western University
No classification provided (evidence only). Condition: Ovarian serous cystadenocarcinoma. Review status: no classification provided. Collection method: in vitro. Allele origin: not applicable. Functional consequence: retained intron. Not counted in ClinVar's aggregate classification.

NM_003803.4(MYOM1):c.4718G>A (p.Arg1573Gln)

Gene: MYOM1 (myomesin 1; minus strand). Cytogenetic location: 18p11.31.
Variant type: single nucleotide variant.
Coding change: c.4718G>A on transcript NM_003803.4 (MANE Select); coding-DNA position 4718, G replaced by A.
Protein change: p.Arg1573Gln; replaces arginine 1573 with glutamine.
Molecular consequence: missense variant.
Genome position (GRCh38, 1-based): chr18:3,071,880, C>T on the plus strand (G>A on the coding strand, the complement: MYOM1 is on the minus strand). VCF-style: chr18-3071880-C-T. GRCh37 (hg19) VCF-style: chr18-3071878-C-T.
Other names: c.4430G>A, p.Arg1477Gln (NM_019856.2); short protein forms R1573Q, R1477Q.
Identifiers: ClinVar variation 226827 (VCV000226827.20), dbSNP rs117342470, ClinGen allele CA8873791.